The following is an entry in ClinVar:

NM_181703.4(GJA5):c.302G>A (p.Arg101His)

Gene: GJA5 (gap junction protein alpha 5; minus strand). Cytogenetic location: 1q21.2.
Variant type: single nucleotide variant.
Coding change: c.302G>A on transcript NM_181703.4 (MANE Select); coding-DNA position 302, G replaced by A.
Protein change: p.Arg101His; replaces arginine 101 with histidine.
Molecular consequence: missense variant.
Genome position (GRCh38, 1-based): chr1:147,758,937, C>T on the plus strand (G>A on the coding strand, the complement: GJA5 is on the minus strand). VCF-style: chr1-147758937-C-T. GRCh37 (hg19) VCF-style: chr1-147231045-C-T.
Other names: c.302G>A, p.Arg101His (NM_005266.7); c.302G>A (NM_005266.5); short protein forms R101H.
Identifiers: ClinVar variation 1403818 (VCV001403818.10), dbSNP rs782301284, ClinGen allele CA1065791.

ClinVar aggregate classification (germline): Uncertain significance. Review status: criteria provided, multiple submitters, no conflicts (2 of 4 stars). 2 submissions from 2 submitters: Uncertain significance (2). Last evaluated 2023-04-12.

Conditions:
Atrial standstill 1 (ATRST1). Also called: ATRIAL CARDIOMYOPATHY WITH HEART BLOCK; CARDIOMYOPATHY, FAMILIAL, WITH CONDUCTION DISTURBANCE; Atrial standstill, digenic (GJA5/SCN5A). Identifiers: Orphanet 1344, MedGen C4551959, MONDO:0007171, OMIM 108770.
Atrial fibrillation, familial, 11 (ATFB11). Identifiers: MedGen C3279693, MONDO:0013544, OMIM 614049.

Allele frequency attached by ClinVar (database versions not stated): gnomAD exomes below 0.00001; ExAC 0.00001.
gnomAD v4.1: 1 of 1,614,240 alleles (0.000062%); highest among the groups gnomAD compares: Non-Finnish European, 0.000085%; no homozygotes.

Submissions (2):

GeneDx
Classification: Uncertain significance. Last evaluated: 2023-04-12. Review status: criteria provided, single submitter. Criteria: GeneDx Variant Classification Process June 2021. Collection method: clinical testing. Allele origin: germline. Affected: yes.
Comment: Has not been previously published as pathogenic or benign to our knowledge; Not observed at significant frequency in large population cohorts (gnomAD); In silico analysis supports that this missense variant has a deleterious effect on protein structure/function

Labcorp Genetics (formerly Invitae), Labcorp
Classification: Uncertain significance for Atrial fibrillation, familial, 11; Atrial standstill 1. Last evaluated: 2022-06-07. Review status: criteria provided, single submitter. Criteria: Invitae Variant Classification Sherloc (09022015). Collection method: clinical testing. Allele origin: germline.
Comment: Algorithms developed to predict the effect of missense changes on protein structure and function are either unavailable or do not agree on the potential impact of this missense change (SIFT: "Not Available"; PolyPhen-2: "Possibly Damaging"; Align-GVGD: "Not Available"). In summary, the available evidence is currently insufficient to determine the role of this variant in disease. Therefore, it has been classified as a Variant of Uncertain Significance. This variant has not been reported in the literature in individuals affected with GJA5-related conditions. This variant is present in population databases (rs782301284, gnomAD 0.0009%). This sequence change replaces arginine, which is basic and polar, with histidine, which is basic and polar, at codon 101 of the GJA5 protein (p.Arg101His).